The following is an entry in ClinVar:

ClinVar aggregate classification (germline): Uncertain significance (1 of 4 stars; one submission).

Submission:

Labcorp Genetics (formerly Invitae), Labcorp
Classification: Uncertain significance. Last evaluated: 2023-11-18. Review status: criteria provided, single submitter. Criteria: Invitae Variant Classification Sherloc (09022015). Collection method: clinical testing. Allele origin: germline.
Comment: This sequence change replaces glutamic acid, which is acidic and polar, with lysine, which is basic and polar, at codon 364 of the MSN protein (p.Glu364Lys). This variant also falls at the last nucleotide of exon 9, which is part of the consensus splice site for this exon. This variant is not present in population databases (gnomAD no frequency). This variant has not been reported in the literature in individuals affected with MSN-related conditions. An algorithm developed to predict the effect of missense changes on protein structure and function (PolyPhen-2) suggests that this variant is likely to be disruptive. Variants that disrupt the consensus splice site are a relatively common cause of aberrant splicing (PMID: 17576681, 9536098). Algorithms developed to predict the effect of sequence changes on RNA splicing suggest that this variant may disrupt the consensus splice site. In summary, the available evidence is currently insufficient to determine the role of this variant in disease. Therefore, it has been classified as a Variant of Uncertain Significance.

Literature cited by the submitters: PubMed 17576681; PubMed 9536098.

NM_002444.3(MSN):c.1090G>A (p.Glu364Lys)

Gene: MSN (moesin; plus strand). Cytogenetic location: Xq12.
Variant type: single nucleotide variant.
Coding change: c.1090G>A on transcript NM_002444.3 (MANE Select); coding-DNA position 1090, G replaced by A.
Protein change: p.Glu364Lys; replaces glutamic acid 364 with lysine.
Molecular consequence: missense variant.
Genome position (GRCh38, 1-based): chrX:65,736,925, G>A. VCF-style: chrX-65736925-G-A. GRCh37 (hg19) VCF-style: chrX-64956787-G-A.
Other names: short protein forms E364K.
Identifiers: ClinVar variation 2694945 (VCV002694945.3), dbSNP rs2523016891, ClinGen allele CA413413226.
Genomic context (GRCh38, chrX:65,736,925, plus strand): 5'-AAGGAGGAGCTGATGGAGAGGCTGAAGCAGATCGAGGAACAGACTAAGAAGGCTCAGCAA[G>A]GTGAGGCTTGGAGTCACCTTGGAGATTGGATTTTTCCAGGCCTAACTCTGAGCTGGAGAA-3'
Protein context (NP_002435.1, residues 354-374): IEEQTKKAQQ[Glu364Lys]LEEQTRRALE